The following is an entry in ClinVar:

NM_022051.3(EGLN1):c.427G>A (p.Glu143Lys)

Gene: EGLN1 (egl-9 family hypoxia inducible factor 1; minus strand). Cytogenetic location: 1q42.2.
Variant type: single nucleotide variant.
Coding change: c.427G>A on transcript NM_022051.3 (MANE Select); coding-DNA position 427, G replaced by A.
Protein change: p.Glu143Lys; replaces glutamic acid 143 with lysine.
Molecular consequence: missense variant.
Genome position (GRCh38, 1-based): chr1:231,421,462, C>T on the plus strand (G>A on the coding strand, the complement: EGLN1 is on the minus strand). VCF-style: chr1-231421462-C-T. GRCh37 (hg19) VCF-style: chr1-231557208-C-T.
Other names: c.427G>A, p.Glu143Lys (NM_001377260.1, NM_001377261.1); short protein forms E143K.
Identifiers: ClinVar variation 1739333 (VCV001739333.3), dbSNP rs2527360145, ClinGen allele CA345237090.

ClinVar aggregate classification (germline): Uncertain significance (1 of 4 stars; one submission).

Submission:

Ambry Genetics
Classification: Uncertain significance. Last evaluated: 2025-09-19. Review status: criteria provided, single submitter. Criteria: Ambry Variant Classification Scheme 2023. Collection method: clinical testing. Allele origin: germline.
Comment: The p.E143K variant (also known as c.427G>A), located in coding exon 1 of the EGLN1 gene, results from a G to A substitution at nucleotide position 427. The glutamic acid at codon 143 is replaced by lysine, an amino acid with similar properties. This amino acid position is conserved. In addition, this alteration is predicted to be tolerated by in silico analysis. Since supporting evidence is limited at this time, the clinical significance of this alteration remains unclear.